The following is an entry in ClinVar:

NM_194454.3(KRIT1):c.1759G>A (p.Val587Ile)

Gene: KRIT1 (KRIT1 ankyrin repeat containing; minus strand). Cytogenetic location: 7q21.2.
Variant type: single nucleotide variant.
Coding change: c.1759G>A on transcript NM_194454.3 (MANE Select); coding-DNA position 1759, G replaced by A.
Protein change: p.Val587Ile; replaces valine 587 with isoleucine.
Molecular consequence: missense variant.
Genome position (GRCh38, 1-based): chr7:92,213,951, C>T on the plus strand (G>A on the coding strand, the complement: KRIT1 is on the minus strand). VCF-style: chr7-92213951-C-T. GRCh37 (hg19) VCF-style: chr7-91843265-C-T.
Other names: c.1615G>A, p.Val539Ile (NM_001013406.2, NM_001350669.1, NM_001350670.1); c.1045G>A, p.Val349Ile (NM_001350671.1); c.1759G>A, p.Val587Ile (NM_001350672.1, NM_001350673.1, NM_001350674.1 and 26 more transcripts); short protein forms V349I, V539I, V587I.
Identifiers: ClinVar variation 1328905 (VCV001328905.3), dbSNP rs2131316594, ClinGen allele CA368141351.

ClinVar aggregate classification (germline): Conflicting classifications of pathogenicity. Review status: criteria provided, conflicting classifications (1 of 4 stars). 2 submissions from 2 submitters: Uncertain significance (1); Likely benign (1). Last evaluated 2026-04-23.

Conditions:
Inborn genetic diseases. Identifiers: MedGen C0950123, MeSH D030342.

gnomAD v4.1: 1 of 1,609,668 alleles (0.000062%); no homozygotes.

Submissions (2):

Ambry Genetics
Classification: Likely benign for Inborn genetic diseases. Last evaluated: 2026-04-23. Review status: criteria provided, single submitter. Criteria: Ambry Variant Classification Scheme 2023. Collection method: clinical testing. Allele origin: germline.

GeneDx
Classification: Uncertain significance. Last evaluated: 2021-06-14. Review status: criteria provided, single submitter. Criteria: GeneDx Variant Classification Process June 2021. Collection method: clinical testing. Allele origin: germline. Affected: yes.
Comment: Not observed at significant frequency in large population cohorts (Lek et al., 2016); In silico analysis supports that this missense variant does not alter protein structure/function; Has not been previously published as pathogenic or benign to our knowledge; This variant is associated with the following publications: (PMID: 27535533)